The following is an entry in ClinVar:

NM_033100.4(CDHR1):c.538C>G (p.Pro180Ala)

Gene: CDHR1 (cadherin related family member 1; plus strand). Cytogenetic location: 10q23.1.
Variant type: single nucleotide variant.
Coding change: c.538C>G on transcript NM_033100.4 (MANE Select); coding-DNA position 538, C replaced by G.
Protein change: p.Pro180Ala; replaces proline 180 with alanine.
Molecular consequence: missense variant.
Genome position (GRCh38, 1-based): chr10:84,201,819, C>G. VCF-style: chr10-84201819-C-G. GRCh37 (hg19) VCF-style: chr10-85961575-C-G.
Other names: c.538C>G, p.Pro180Ala (NM_001171971.3); short protein forms P180A.
Identifiers: ClinVar variation 844995 (VCV000844995.9), dbSNP rs1842130048, ClinGen allele CA377372219.

ClinVar aggregate classification (germline): Uncertain significance (1 of 4 stars; one submission).

gnomAD v4.1: 1 of 1,610,456 alleles (0.000062%); highest among the groups gnomAD compares: Middle Eastern, 0.016%; no homozygotes.

Submission:

Labcorp Genetics (formerly Invitae), Labcorp
Classification: Uncertain significance. Last evaluated: 2022-02-01. Review status: criteria provided, single submitter. Criteria: Invitae Variant Classification Sherloc (09022015). Collection method: clinical testing. Allele origin: germline.
Comment: This variant is not present in population databases (gnomAD no frequency). Advanced modeling of protein sequence and biophysical properties (such as structural, functional, and spatial information, amino acid conservation, physicochemical variation, residue mobility, and thermodynamic stability) performed at Invitae indicates that this missense variant is not expected to disrupt CDHR1 protein function. ClinVar contains an entry for this variant (Variation ID: 844995). This variant has not been reported in the literature in individuals affected with CDHR1-related conditions. In summary, the available evidence is currently insufficient to determine the role of this variant in disease. Therefore, it has been classified as a Variant of Uncertain Significance. This sequence change replaces proline, which is neutral and non-polar, with alanine, which is neutral and non-polar, at codon 180 of the CDHR1 protein (p.Pro180Ala).